The following continues an entry in ClinVar:

NM_000218.3(KCNQ1):c.944A>G (p.Tyr315Cys)

Gene: KCNQ1. ClinVar aggregate classification (germline): Pathogenic/Likely pathogenic. Pathogenic (8); Likely pathogenic (3).

Submissions 8 to 14 of 14:

GeneDx
Classification: Pathogenic. Last evaluated: 2022-05-11. Review status: criteria provided, single submitter. Criteria: GeneDx Variant Classification Process June 2021. Collection method: clinical testing. Allele origin: germline. Affected: yes.
Comment: Published functional studies demonstrate a damaging effect as this variant results in reduced potassium channel current in vitro (Bianchi et al., 2000); Not observed at significant frequency in large population cohorts (gnomAD); In silico analysis supports that this missense variant has a deleterious effect on protein structure/function; This variant is associated with the following publications: (PMID: 15466642, 24269949, 19490272, 14678125, 9693036, 9927399, 17470695, 15840476, 19261104, 23575362, 23130128, 12877697, 12702160, 24606995, 18774102, 23098067, 19716085, 24217263, 28749187, 27920829, 28438721, 10868744, 14760488, 20541041, 10220144, 31447099, 34135346, 11087258)

CeGaT Center for Human Genetics Tuebingen
Classification: Pathogenic. Last evaluated: 2022-05-01. Review status: criteria provided, single submitter. Criteria: CeGaT Center For Human Genetics Tuebingen Variant Classification Criteria Version 2. Collection method: clinical testing. Allele origin: germline. Affected: yes. Observed: 1 variant allele.
Comment: KCNQ1: PM1, PM2, PM5, PS4:Moderate, PP3, PS3:Supporting

Human Genome Sequencing Center Clinical Lab, Baylor College of Medicine
Classification: Likely pathogenic for Long QT syndrome 1. Last evaluated: 2017-11-03. Review status: criteria provided, single submitter. Criteria: ACMG Guidelines, 2015. Collection method: clinical testing. Allele origin: germline.
Comment: The c.944A>G (p.Tyr315Cys) variant in the KCNQ1 gene has been observed in multiple individuals with long QT syndrome (PMID: 9693036, 10868744, 12702160, 15840476, 14760488, 15466642). In addition, experimental studies have shown that this missense change leads to altered KCNQ1 protein function (PMID: 11087258). The c.944A>G (p.Tyr315Cys) variant in the KCNQ1 gene is classified as likely pathogenic.

Stanford Center for Inherited Cardiovascular Disease, Stanford University
Classification: Pathogenic. Last evaluated: 2016-03-02. Review status: criteria provided, single submitter. Criteria: ACMG Guidelines, 2015. Collection method: provider interpretation. Allele origin: germline.

deCODE genetics, Amgen
Classification: Likely pathogenic for Long QT syndrome 1. Last evaluated: 2023-07-21. Review status: no assertion criteria provided. Collection method: research. Allele origin: germline. Affected: yes. Observed: 48 variant alleles. Not counted in ClinVar's aggregate classification.
Comment: The variant NM_000218.3:c.944A>G (chr11:2583457) in KCNQ1 was detected in 17 heterozygotes out of 58K WGS Icelanders (MAF= 0,015%). Following imputation in a set of 166K Icelanders (48 imputed heterozygotes) we observed an association with an elongation of the qt interval on ECG using measurements from 80068 individuals (Effect (SD)= 2.21, P= 5.38e-26) and heart failure using 20765 cases and 367806 controls (OR= 3.17, P= 1.31e-02). This variant has been reported in ClinVar previously as pathogenic/likely pathogenic. Based on ACMG criteria (PS4, PM1, PP3, PP5) this variant classifies as likely pathogenic.

Clinical Molecular Genetics Laboratory, Johns Hopkins All Children's Hospital
Classification: Likely pathogenic for Long QT syndrome. Last evaluated: 2017-01-18. Review status: no assertion criteria provided. Collection method: clinical testing. Allele origin: germline. Affected: yes. Not counted in ClinVar's aggregate classification.

Cardiovascular Biomedical Research Unit, Royal Brompton & Harefield NHS Foundation Trust
No classification provided. Condition: Familial long QT syndrome. Review status: no classification provided. Collection method: literature only. Allele origin: germline. Not counted in ClinVar's aggregate classification.
Comment: This variant has been reported as associated with Long QT syndrome in the following publications (PMID:9693036;PMID:10868744;PMID:12702160;PMID:12877697;PMID:14678125;PMID:14760488;PMID:15466642;PMID:15840476;PMID:19716085;PMID:9927399;PMID:17470695). This is a literature report, and does not necessarily reflect the clinical interpretation of the Imperial College / Royal Brompton Cardiovascular Genetics laboratory.

Literature cited by the submitters: PubMed 9693036 (cited by 4 submitters); PubMed 12702160 (cited by 4 submitters); PubMed 18774102 (cited by 3 submitters); PubMed 21451124 (cited by 4 submitters); PubMed 24217263 (cited by Labcorp Genetics (formerly Invitae), Labcorp and Mayo Clinic Laboratories, Mayo Clinic); PubMed 24606995 (cited by Labcorp Genetics (formerly Invitae), Labcorp and Mayo Clinic Laboratories, Mayo Clinic); PubMed 11087258 (cited by 5 submitters); PubMed 28438721 (cited by Color Diagnostics, LLC DBA Color Health and All of Us Research Program, National Institutes of Health); PubMed 32893267 (cited by Color Diagnostics, LLC DBA Color Health and All of Us Research Program, National Institutes of Health); PubMed 36102233 (cited by Color Diagnostics, LLC DBA Color Health and All of Us Research Program, National Institutes of Health); PubMed 37449562 (cited by Color Diagnostics, LLC DBA Color Health and All of Us Research Program, National Institutes of Health); PubMed 10868744 (cited by 3 submitters); PubMed 15840476 (cited by 3 submitters); PubMed 17470695 (cited by 3 submitters); PubMed 19261104 (cited by Mayo Clinic Laboratories, Mayo Clinic and Ambry Genetics); PubMed 19716085 (cited by 3 submitters); PubMed 20541041 (cited by Mayo Clinic Laboratories, Mayo Clinic and Ambry Genetics); PubMed 24269949 (cited by Mayo Clinic Laboratories, Mayo Clinic and Ambry Genetics); PubMed 27920829 (cited by Mayo Clinic Laboratories, Mayo Clinic); PubMed 31447099 (cited by Mayo Clinic Laboratories, Mayo Clinic); PubMed 34135346 (cited by Mayo Clinic Laboratories, Mayo Clinic); PubMed 34505893 (cited by Mayo Clinic Laboratories, Mayo Clinic); PubMed 9927399 (cited by 3 submitters); PubMed 12877697 (cited by Cardiovascular Biomedical Research Unit, Royal Brompton & Harefield NHS Foundation Trust); PubMed 14678125 (cited by Cardiovascular Biomedical Research Unit, Royal Brompton & Harefield NHS Foundation Trust); PubMed 14760488 (cited by Cardiovascular Biomedical Research Unit, Royal Brompton & Harefield NHS Foundation Trust); PubMed 15466642 (cited by Cardiovascular Biomedical Research Unit, Royal Brompton & Harefield NHS Foundation Trust); PubMed 22581653 (cited by Cardiovascular Biomedical Research Unit, Royal Brompton & Harefield NHS Foundation Trust).